The following is an entry in ClinVar:

ClinVar aggregate classification (germline): Benign/Likely benign. Review status: criteria provided, multiple submitters, no conflicts (2 of 4 stars). 5 submissions from 5 submitters: Benign (1); Likely benign (3). 1 of the submissions does not count toward it. Last evaluated 2025-11-09.

Conditions:
KMT2A-related disorder. Also called: KMT2A-related condition.
Inborn genetic diseases. Identifiers: MedGen C0950123, MeSH D030342.

Allele frequency attached by ClinVar (database versions not stated): gnomAD exomes 0.00006 and 0.00020; 1000 Genomes Project 30x 0.00016; 1000 Genomes Project 0.00020; ExAC 0.00021; gnomAD 0.00068 and 0.00076; TOPMed 0.00080; ESP Exome Variant Server 0.00092.
gnomAD v4.1: 197 of 1,614,176 alleles (0.012%); highest among the groups gnomAD compares: African/African-American, 0.25%; 2 homozygotes.

Submissions (5):

Labcorp Genetics (formerly Invitae), Labcorp
Classification: Likely benign. Last evaluated: 2025-11-09. Review status: criteria provided, single submitter. Criteria: Invitae Variant Classification Sherloc (09022015). Collection method: clinical testing. Allele origin: germline.

Ambry Genetics
Classification: Likely benign for Inborn genetic diseases. Last evaluated: 2025-01-10. Review status: criteria provided, single submitter. Criteria: Ambry Variant Classification Scheme 2023. Collection method: clinical testing. Allele origin: germline.

Blueprint Genetics
Classification: Likely benign. Last evaluated: 2024-07-06. Review status: criteria provided, single submitter. Criteria: ACMG Guidelines, 2015. Collection method: clinical testing. Allele origin: germline.

GeneDx
Classification: Benign. Last evaluated: 2019-09-06. Review status: criteria provided, single submitter. Criteria: GeneDx Variant Classification Process June 2021. Collection method: clinical testing. Allele origin: germline. Affected: yes.

PreventionGenetics, part of Exact Sciences
Classification: Likely benign for KMT2A-related condition. Last evaluated: 2019-06-06. Review status: no assertion criteria provided. Collection method: clinical testing. Allele origin: germline. Not counted in ClinVar's aggregate classification.
Comment: This variant is classified as likely benign based on ACMG/AMP sequence variant interpretation guidelines (Richards et al. 2015 PMID: 25741868, with internal and published modifications).

NM_001197104.2(KMT2A):c.10475C>T (p.Ala3492Val)

Gene: KMT2A (lysine methyltransferase 2A; plus strand). Cytogenetic location: 11q23.3.
Variant type: single nucleotide variant.
Coding change: c.10475C>T on transcript NM_001197104.2 (MANE Select); coding-DNA position 10475, C replaced by T.
Protein change: p.Ala3492Val; replaces alanine 3492 with valine.
Molecular consequence: missense variant.
Genome position (GRCh38, 1-based): chr11:118,506,367, C>T. VCF-style: chr11-118506367-C-T. GRCh37 (hg19) VCF-style: chr11-118377082-C-T.
Other names: c.10466C>T, p.Ala3489Val (NM_005933.4); short protein forms A3492V, A3489V.
Identifiers: ClinVar variation 729177 (VCV000729177.15), dbSNP rs145249825, ClinGen allele CA6304755.